The following is an entry in ClinVar:

ClinVar aggregate classification (germline): Conflicting classifications of pathogenicity. Review status: criteria provided, conflicting classifications (1 of 4 stars). 4 submissions from 4 submitters: Uncertain significance (2); Likely benign (2). Last evaluated 2025-03-11.

Conditions:
DST-related disorder. Also called: DST-related condition; DST-related disorders.
Epidermolysis bullosa simplex 3, localized or generalized intermediate, with BP230 deficiency (EBS3). Also called: Epidermolysis bullosa simplex, autosomal recessive 2; Epidermolysis bullosa simplex due to BP230 deficiency. Identifiers: Orphanet 412181, MedGen C3809470, MONDO:0014180, OMIM 615425.
Hereditary sensory and autonomic neuropathy type 6. Also called: HSAN VI; Neuropathy, hereditary sensory and autonomic, type VI. Identifiers: Orphanet 314381, MedGen C3539003, MONDO:0013839, OMIM 614653.

Submissions (4):

PreventionGenetics, part of Exact Sciences
Classification: Likely benign for DST-related condition. Last evaluated: 2025-03-11. Review status: criteria provided, single submitter. Criteria: ACMG Guidelines, 2015. Collection method: clinical testing. Allele origin: germline.
Comment: This variant is classified as likely benign based on ACMG/AMP sequence variant interpretation guidelines (Richards et al. 2015 PMID: 25741868, with internal and published modifications).

Blueprint Genetics
Classification: Likely benign. Last evaluated: 2024-11-08. Review status: criteria provided, single submitter. Criteria: ACMG Guidelines, 2015. Collection method: clinical testing. Allele origin: germline.

GeneDx
Classification: Uncertain significance. Last evaluated: 2024-04-15. Review status: criteria provided, single submitter. Criteria: GeneDx Variant Classification Process June 2021. Collection method: clinical testing. Allele origin: germline. Affected: yes.
Comment: Frameshift variant predicted to result in abnormal protein length as the last 633 amino acids are replaced with 1 different amino acids, and other similar variants have been reported in HGMD; Has not been previously published as pathogenic or benign to our knowledge

Labcorp Genetics (formerly Invitae), Labcorp
Classification: Uncertain significance for Epidermolysis bullosa simplex 3, localized or generalized intermediate, with BP230 deficiency; Hereditary sensory and autonomic neuropathy type 6. Last evaluated: 2024-01-07. Review status: criteria provided, single submitter. Criteria: Invitae Variant Classification Sherloc (09022015). Collection method: clinical testing. Allele origin: germline.
Comment: This sequence change creates a premature translational stop signal (Splice site) in the DST gene. While this is not anticipated to result in nonsense mediated decay, it is expected to disrupt the last 633 amino acid(s) of the DST protein. This variant is present in population databases (rs772013916, gnomAD 0.1%), and has an allele count higher than expected for a pathogenic variant. This variant has not been reported in the literature in individuals affected with DST-related conditions. ClinVar contains an entry for this variant (Variation ID: 474536). Experimental studies and prediction algorithms are not available or were not evaluated, and the functional significance of this variant is currently unknown. Algorithms developed to predict the effect of sequence changes on RNA splicing suggest that this variant may disrupt the consensus splice site. In summary, the available evidence is currently insufficient to determine the role of this variant in disease. Therefore, it has been classified as a Variant of Uncertain Significance.

NM_001723.7(DST):c.6048_6049dup (p.Ile2017fs)

Gene: DST (dystonin; minus strand). Cytogenetic location: 6p12.1.
Variant type: Microsatellite.
Coding change: c.6048_6049dup on transcript NM_001723.7 (MANE Plus Clinical); coding-DNA positions 6048 to 6049, 2 bases duplicated (AG; older notation c.6048_6049dupAG).
Protein change: p.Ile2017fs; shifts the reading frame from isoleucine 2017.
Molecular consequence: frameshift variant. On other transcripts: intron variant (10).
Genome position (GRCh38, 1-based): chr6:56,617,986-56,617,987, CT duplicated on the plus strand (AG on the coding strand, the reverse complement: DST is on the minus strand); duplicating any 2 consecutive bases within chr6:56,617,986-56,617,989 gives the same sequence; the c. name uses the placement nearest the transcript's 3' end. VCF-style (leftmost placement, unchanged base first): chr6-56617985-C-CCT. GRCh37 (hg19) VCF-style: chr6-56482783-C-CCT.
Other names: c.4831-3505AG[3] (NM_001144769.5); c.4930-3505AG[3] (NM_001374722.1, NM_001374736.1); c.4957-3505AG[3] (NM_001374734.1); c.4417-3505AG[3] (NM_001144770.2); c.4297-3505AG[3] (NM_001374730.1, NM_001386100.1, NM_183380.4 and 1 more transcripts); c.3319-3505AG[3] (NM_015548.5); short protein forms I2017fs.
Identifiers: ClinVar variation 474536 (VCV000474536.16), dbSNP rs772013916, ClinGen allele CA3870254.
Genomic context (GRCh38, chr6:56,617,985, plus strand): 5'-GGAAACAAATGAGGAAACTTGACATTAGGTAGCTGATAAGGTCTCAGAACACAGAGTATA[C>CCT]CTCTAAGGGTGTCAAAACCTTCACCAGTTCCATTTCACATGCGTTATCTTGATACCTAAC-3'